The following is an entry in ClinVar:

NM_005876.5(SPEG):c.478+5G>A

Gene: SPEG (striated muscle enriched protein kinase; plus strand). Cytogenetic location: 2q35.
Variant type: single nucleotide variant.
Coding change: c.478+5G>A on transcript NM_005876.5 (MANE Select); 5 bases into the intron after coding-DNA position 478, G replaced by A.
Molecular consequence: intron variant.
Genome position (GRCh38, 1-based): chr2:219,444,747, G>A. VCF-style: chr2-219444747-G-A. GRCh37 (hg19) VCF-style: chr2-220309469-G-A.
Identifiers: ClinVar variation 2416325 (VCV002416325.7), dbSNP rs755115628, ClinGen allele CA2125495.

ClinVar aggregate classification (germline): Uncertain significance. Review status: criteria provided, multiple submitters, no conflicts (2 of 4 stars). 2 submissions from 2 submitters: Uncertain significance (2). Last evaluated 2024-11-11.

Allele frequency attached by ClinVar (database versions not stated): gnomAD 0.00009.
gnomAD v4.1: 37 of 1,613,688 alleles (0.0023%); highest among the groups gnomAD compares: Admixed American, 0.045%; no homozygotes.

Submissions (2):

Labcorp Genetics (formerly Invitae), Labcorp
Classification: Uncertain significance. Last evaluated: 2024-11-11. Review status: criteria provided, single submitter. Criteria: Invitae Variant Classification Sherloc (09022015). Collection method: clinical testing. Allele origin: germline.
Comment: This sequence change falls in intron 2 of the SPEG gene. It does not directly change the encoded amino acid sequence of the SPEG protein. It affects a nucleotide within the consensus splice site. This variant is present in population databases (rs755115628, gnomAD 0.04%). This variant has not been reported in the literature in individuals affected with SPEG-related conditions. ClinVar contains an entry for this variant (Variation ID: 2416325). Variants that disrupt the consensus splice site are a relatively common cause of aberrant splicing (PMID: 17576681, 9536098). Algorithms developed to predict the effect of sequence changes on RNA splicing suggest that this variant may disrupt the consensus splice site. In summary, the available evidence is currently insufficient to determine the role of this variant in disease. Therefore, it has been classified as a Variant of Uncertain Significance.

Blueprint Genetics
Classification: Uncertain significance. Last evaluated: 2023-09-29. Review status: criteria provided, single submitter. Criteria: ACMG Guidelines, 2015. Collection method: clinical testing. Allele origin: germline.

Literature cited by the submitters: PubMed 17576681 (cited by Labcorp Genetics (formerly Invitae), Labcorp); PubMed 9536098 (cited by Labcorp Genetics (formerly Invitae), Labcorp).